The following is an entry in ClinVar:

ClinVar aggregate classification (germline): Pathogenic/Likely pathogenic. Review status: criteria provided, multiple submitters, no conflicts (2 of 4 stars). 2 submissions from 2 submitters: Pathogenic (1); Likely pathogenic (1). Last evaluated 2026-10-05.

Conditions:
Catecholaminergic polymorphic ventricular tachycardia 1. Also called: VENTRICULAR TACHYCARDIA, STRESS-INDUCED POLYMORPHIC 1; VENTRICULAR TACHYCARDIA, CATECHOLAMINERGIC POLYMORPHIC, 1, WITH OR WITHOUT ATRIAL DYSFUNCTION AND/OR DILATED CARDIOMYOPATHY; RYR2-Related Catecholaminergic Polymorphic Ventricular Tachycardia. Identifiers: Orphanet 3286, MedGen C1631597, MONDO:0011484, OMIM 604772.

Submissions (2):

GeneDx
Classification: Likely pathogenic. Last evaluated: 2026-10-05. Review status: criteria provided, single submitter. Criteria: GeneDx Variant Classification Process June 2021. Collection method: clinical testing. Allele origin: germline.
Comment: Located in one of the three hot-spot regions of the RYR2 gene, where the majority of pathogenic missense variants occur (PMID: 19926015); Not observed at significant frequency in large population cohorts (gnomAD); In silico analysis supports that this missense variant has a deleterious effect on protein structure/function; This variant is associated with the following publications: (PMID: 19926015, 24025405, 25525159, 32152366, 16818210)

Labcorp Genetics (formerly Invitae), Labcorp
Classification: Pathogenic for Catecholaminergic polymorphic ventricular tachycardia 1. Last evaluated: 2024-11-02. Review status: criteria provided, single submitter. Criteria: Invitae Variant Classification Sherloc (09022015). Collection method: clinical testing. Allele origin: germline.
Comment: This sequence change replaces serine, which is neutral and polar, with arginine, which is basic and polar, at codon 3938 of the RYR2 protein (p.Ser3938Arg). This variant is not present in population databases (gnomAD no frequency). This missense change has been observed in individual(s) with catecholaminergic polymorphic ventricular tachycardia (CPVT) (PMID: 16818210, 30403697; internal data). In at least one individual the variant was observed to be de novo. ClinVar contains an entry for this variant (Variation ID: 201188). Invitae Evidence Modeling of protein sequence and biophysical properties (such as structural, functional, and spatial information, amino acid conservation, physicochemical variation, residue mobility, and thermodynamic stability) indicates that this missense variant is expected to disrupt RYR2 protein function with a positive predictive value of 95%. For these reasons, this variant has been classified as Pathogenic.

Literature cited by the submitters: PubMed 16818210 (cited by Labcorp Genetics (formerly Invitae), Labcorp); PubMed 30403697 (cited by Labcorp Genetics (formerly Invitae), Labcorp).

NM_001035.3(RYR2):c.11814C>A (p.Ser3938Arg)

Gene: RYR2 (ryanodine receptor 2; plus strand). Cytogenetic location: 1q43.
Variant type: single nucleotide variant.
Coding change: c.11814C>A on transcript NM_001035.3 (MANE Select); coding-DNA position 11814, C replaced by A.
Protein change: p.Ser3938Arg; replaces serine 3938 with arginine.
Molecular consequence: missense variant.
Genome position (GRCh38, 1-based): chr1:237,778,704, C>A. VCF-style: chr1-237778704-C-A. GRCh37 (hg19) VCF-style: chr1-237942004-C-A.
Other names: p.S3938R:AGC>AGA; c.11814C>A, p.Ser3938Arg (LRG_402t1); short protein forms S3938R.
Identifiers: ClinVar variation 201188 (VCV000201188.12), dbSNP rs794728704, ClinGen allele CA007170.